The following is an entry in ClinVar:

NC_012920.1(MT-RNR1):m.1382A>C

Gene: MT-RNR1 (mitochondrially encoded 12S RNA; plus strand).
Variant type: single nucleotide variant.
Genome position: chrM-1382-A-C.
Identifiers: ClinVar variation 42214 (VCV000042214.4), dbSNP rs111033358, ClinGen allele CA131000.

ClinVar aggregate classification (germline): Benign (1 of 4 stars; one submission).

Submission:

Laboratory for Molecular Medicine, Mass General Brigham Personalized Medicine
Classification: Benign. Last evaluated: 2014-09-26. Review status: criteria provided, single submitter. Criteria: LMM Criteria. Collection method: clinical testing. Allele origin: germline. Observed: 4 variant alleles.
Comment: m.1120C>T in MTRNR1: This variant is not expected to have clinical significance because it has been found in the general population at a frequency of 0.5% (122/ 24187 human mitochondrial DNA sequences) with a haplogroup-specific frequency of 2.1% and 69.1% in two different Japanese clades. Addit ionally, this variant is not significantly over represented in individuals with nonsyndromic hearing loss as it has been found in 43/1642 (2.6%) Chinese childre n (a proportion of whom have been exposed to aminoglycosides) as well as 9/449 ( 2.0%) Chinese controls (Lu 2010), suggesting that this variant is most likely no t involved in the observed hearing loss.

Literature cited by the submitters: PubMed 18386806; PubMed 15896721; PubMed 15841390; PubMed 15708009; PubMed 9887373; PubMed 9519725; PubMed 20100600.